The following is an entry in ClinVar:

ClinVar aggregate classification (germline): Conflicting classifications of pathogenicity. Review status: criteria provided, conflicting classifications (1 of 4 stars). 3 submissions from 3 submitters: Likely pathogenic (1); Uncertain significance (2). Last evaluated 2025-10-15.

Conditions:
Inborn genetic diseases. Identifiers: MedGen C0950123, MeSH D030342.
Intellectual developmental disorder, autosomal dominant 57. Also called: MENTAL RETARDATION, AUTOSOMAL DOMINANT 57; Intellectual disability, autosomal dominant 57. Identifiers: MedGen C4748003, MONDO:0054837, OMIM 618050.

Submissions (3):

Ambry Genetics
Classification: Uncertain significance for Inborn genetic diseases. Last evaluated: 2025-10-15. Review status: criteria provided, single submitter. Criteria: Ambry Variant Classification Scheme 2023. Collection method: clinical testing. Allele origin: germline.
Comment: The c.944G>T (p.G315V) alteration is located in exon 11 (coding exon 10) of the TLK2 gene. This alteration results from a G to T substitution at nucleotide position 944, causing the glycine (G) at amino acid position 315 to be replaced by a valine (V). This variant was not reported in population-based cohorts in the Genome Aggregation Database (gnomAD). This amino acid position is highly conserved in available vertebrate species. This alteration is predicted to be deleterious by in silico analysis. Based on insufficient or conflicting evidence, the clinical significance of this alteration remains unclear.

Department of Genetics, Rouen University Hospital, Normandy Center for Genomic and Personalized Medicine
Classification: Likely pathogenic for Intellectual developmental disorder, autosomal dominant 57. Last evaluated: 2023-02-20. Review status: criteria provided, single submitter. Criteria: ACMG Guidelines, 2015. Collection method: clinical testing. Allele origin: de novo. Affected: yes.

Blueprint Genetics
Classification: Uncertain significance. Last evaluated: 2023-02-15. Review status: criteria provided, single submitter. Criteria: ACMG Guidelines, 2015. Collection method: clinical testing. Allele origin: germline.

NM_006852.6(TLK2):c.944G>T (p.Gly315Val)

Genes: TLK2 (tousled like kinase 2; plus strand), LOC126862611 (CDK7 strongly-dependent group 2 enhancer GRCh37_chr17:60642433-60643632; plus strand). Cytogenetic location: 17q23.2.
Variant type: single nucleotide variant.
Coding change: c.944G>T on transcript NM_006852.6 (MANE Select); coding-DNA position 944, G replaced by T.
Protein change: p.Gly315Val; replaces glycine 315 with valine.
Molecular consequence: missense variant.
Genome position (GRCh38, 1-based): chr17:62,565,113, G>T. VCF-style: chr17-62565113-G-T. GRCh37 (hg19) VCF-style: chr17-60642474-G-T.
Other names: c.944G>T (NM_006852.3); c.944G>T, p.Gly315Val (NM_001284333.3, NM_001375270.1, NM_001375271.1); c.848G>T, p.Gly283Val (NM_001284363.1, NM_001375272.1); c.497G>T, p.Gly166Val (NM_001330418.3, NM_001375273.1); c.986G>T, p.Gly329Val (NM_001375269.1); c.659G>T, p.Gly220Val (NM_001411074.1); short protein forms G220V, G166V, G315V, G329V, G283V.
Identifiers: ClinVar variation 2920708 (VCV002920708.5), dbSNP rs2545634062, ClinGen allele CA400499863.